The following is an entry in ClinVar:

NM_001042472.3(ABHD12):c.550G>A (p.Asp184Asn)

Gene: ABHD12 (abhydrolase domain containing 12, lysophospholipase; minus strand). Cytogenetic location: 20p11.21.
Variant type: single nucleotide variant.
Coding change: c.550G>A on transcript NM_001042472.3 (MANE Select); coding-DNA position 550, G replaced by A.
Protein change: p.Asp184Asn; replaces aspartic acid 184 with asparagine.
Molecular consequence: missense variant.
Genome position (GRCh38, 1-based): chr20:25,317,071, C>T on the plus strand (G>A on the coding strand, the complement: ABHD12 is on the minus strand). VCF-style: chr20-25317071-C-T. GRCh37 (hg19) VCF-style: chr20-25297707-C-T.
Other names: c.550G>A, p.Asp184Asn (NM_015600.5); short protein forms D184N.
Identifiers: ClinVar variation 1468982 (VCV001468982.6), dbSNP rs368549138, ClinGen allele CA9796101.

ClinVar aggregate classification (germline): Uncertain significance. Review status: criteria provided, multiple submitters, no conflicts (2 of 4 stars). 2 submissions from 2 submitters: Uncertain significance (2). Last evaluated 2021-12-07.

Allele frequency attached by ClinVar (database versions not stated): gnomAD exomes 0.00002 and 0.00004; ExAC 0.00003; ESP Exome Variant Server 0.00008.
gnomAD v4.1: 55 of 1,612,378 alleles (0.0034%); highest among the groups gnomAD compares: Non-Finnish European, 0.0046%; no homozygotes.

Submissions (2):

Blueprint Genetics
Classification: Uncertain significance. Last evaluated: 2021-12-07. Review status: criteria provided, single submitter. Criteria: ACMG Guidelines, 2015. Collection method: clinical testing. Allele origin: germline.

Labcorp Genetics (formerly Invitae), Labcorp
Classification: Uncertain significance. Last evaluated: 2021-09-07. Review status: criteria provided, single submitter. Criteria: Invitae Variant Classification Sherloc (09022015). Collection method: clinical testing. Allele origin: germline.
Comment: This sequence change replaces aspartic acid with asparagine at codon 184 of the ABHD12 protein (p.Asp184Asn). The aspartic acid residue is moderately conserved and there is a small physicochemical difference between aspartic acid and asparagine. This variant is present in population databases (rs368549138, ExAC 0.006%). This variant has not been reported in the literature in individuals affected with ABHD12-related conditions. Algorithms developed to predict the effect of missense changes on protein structure and function are either unavailable or do not agree on the potential impact of this missense change (SIFT: "Tolerated"; PolyPhen-2: "Probably Damaging"; Align-GVGD: "Class C0"). In summary, the available evidence is currently insufficient to determine the role of this variant in disease. Therefore, it has been classified as a Variant of Uncertain Significance.